The following is an entry in ClinVar:

ClinVar aggregate classification (germline): Uncertain significance (1 of 4 stars; one submission).

Conditions:
Adams-Oliver syndrome 5 (AOS5). Identifiers: Orphanet 974, MedGen C4014970, MONDO:0014459, OMIM 616028.

Submission:

Labcorp Genetics (formerly Invitae), Labcorp
Classification: Uncertain significance for Adams-Oliver syndrome 5. Last evaluated: 2023-05-27. Review status: criteria provided, single submitter. Criteria: Invitae Variant Classification Sherloc (09022015). Collection method: clinical testing. Allele origin: germline.
Comment: This variant, c.2839_2841del, results in the deletion of 1 amino acid(s) of the NOTCH1 protein (p.Asn947del), but otherwise preserves the integrity of the reading frame. This variant is not present in population databases (gnomAD no frequency). In summary, the available evidence is currently insufficient to determine the role of this variant in disease. Therefore, it has been classified as a Variant of Uncertain Significance. Experimental studies and prediction algorithms are not available or were not evaluated, and the functional significance of this variant is currently unknown. This variant has not been reported in the literature in individuals affected with NOTCH1-related conditions.

NM_017617.5(NOTCH1):c.2839_2841del (p.Asn947del)

Gene: NOTCH1 (notch receptor 1; minus strand). Cytogenetic location: 9q34.3.
Variant type: Deletion.
Coding change: c.2839_2841del on transcript NM_017617.5 (MANE Select); coding-DNA positions 2839 to 2841, 3 bases deleted (AAC; older notation c.2839_2841delAAC).
Protein change: p.Asn947del; deletes asparagine 947.
Molecular consequence: inframe deletion.
Genome position (GRCh38, 1-based): chr9:136,509,861-136,509,863, GTT deleted on the plus strand (AAC on the coding strand, the reverse complement: NOTCH1 is on the minus strand); deleting any 3 consecutive bases within chr9:136,509,861-136,509,864 gives the same sequence; the c. name uses the placement nearest the transcript's 3' end. VCF-style (leftmost placement, unchanged base first): chr9-136509860-CGTT-C. GRCh37 (hg19) VCF-style: chr9-139404312-CGTT-C.
Other names: short protein forms N947del.
Identifiers: ClinVar variation 2737730 (VCV002737730.3), dbSNP rs2540446058, ClinGen allele CA2697558222.